The following is an entry in ClinVar:

NM_003922.4(HERC1):c.11876del (p.Pro3959fs)

Gene: HERC1 (HECT and RLD domain containing E3 ubiquitin protein ligase family member 1; minus strand). Cytogenetic location: 15q22.31.
Variant type: Deletion.
Coding change: c.11876del on transcript NM_003922.4 (MANE Select); coding-DNA position 11876, one base deleted (C; older notation c.11876delC).
Protein change: p.Pro3959fs; shifts the reading frame from proline 3959.
Molecular consequence: frameshift variant.
Genome position (GRCh38, 1-based): chr15:63,640,177, G deleted on the plus strand (C on the coding strand, the reverse complement: HERC1 is on the minus strand); the first of 2 consecutive G bases (chr15:63,640,177-63,640,178); deleting either gives the same sequence. VCF-style (leftmost placement, unchanged base first): chr15-63640176-TG-T. GRCh37 (hg19) VCF-style: chr15-63932375-TG-T.
Other names: short protein forms P3959fs.
Identifiers: ClinVar variation 3684043 (VCV003684043.2).
Genomic context (GRCh38, chr15:63,640,176, plus strand): 5'-TCAGCTGCAAATAATAGCAGCTCACAGTACATTTACCATTAGAAATACAAGTTCATCCTC[TG>T]GAACAGGTTCTAGATCTGGAACGGTAAAAGATTCTGGAAACTGGGCTCCATTGGTCAGGG-3'

ClinVar aggregate classification (germline): Pathogenic (1 of 4 stars; one submission).

Submission:

Labcorp Genetics (formerly Invitae), Labcorp
Classification: Pathogenic. Last evaluated: 2024-12-20. Review status: criteria provided, single submitter. Criteria: Invitae Variant Classification Sherloc (09022015). Collection method: clinical testing. Allele origin: germline.
Comment: This sequence change creates a premature translational stop signal (p.Pro3959Glnfs*8) in the HERC1 gene. It is expected to result in an absent or disrupted protein product. Loss-of-function variants in HERC1 are known to be pathogenic (PMID: 26138117, 26153217, 27108999). This variant is not present in population databases (gnomAD no frequency). This variant has not been reported in the literature in individuals affected with HERC1-related conditions. Algorithms developed to predict the effect of sequence changes on RNA splicing suggest that this variant may disrupt the consensus splice site. For these reasons, this variant has been classified as Pathogenic.

Literature cited by the submitters: PubMed 26138117; PubMed 26153217; PubMed 27108999.